The following is an entry in ClinVar:

ClinVar aggregate classification (germline): Uncertain significance. Review status: criteria provided, multiple submitters, no conflicts (2 of 4 stars). 6 submissions from 6 submitters: Uncertain significance (6). Last evaluated 2025-10-21.

Conditions:
Hereditary cancer-predisposing syndrome. Also called: Hereditary Cancer Syndrome; Hereditary neoplastic syndrome; Neoplastic Syndromes, Hereditary; Tumor predisposition. Identifiers: Orphanet 140162, MedGen C0027672, MeSH D009386, MONDO:0015356.
Familial cancer of breast. Also called: BREAST CANCER, FAMILIAL; Hereditary breast cancer; hereditary breast carcinoma. Identifiers: Orphanet 227535, MedGen C0346153, MONDO:0016419, OMIM 114480. Disease mechanism: loss of function.

Allele frequency attached by ClinVar (database versions not stated): gnomAD exomes below 0.00001; gnomAD 0.00001; TOPMed 0.00002.
gnomAD v4.1: 5 of 1,614,024 alleles (0.00031%); highest among the groups gnomAD compares: African/African-American, 0.004%; no homozygotes.

Submissions (6):

Labcorp Genetics (formerly Invitae), Labcorp
Classification: Uncertain significance for Familial cancer of breast. Last evaluated: 2025-10-21. Review status: criteria provided, single submitter. Criteria: Invitae Variant Classification Sherloc (09022015). Collection method: clinical testing. Allele origin: germline.
Comment: This sequence change replaces arginine, which is basic and polar, with glycine, which is neutral and non-polar, at codon 337 of the BARD1 protein (p.Arg337Gly). This variant is present in population databases (no rsID available, gnomAD 0.008%). This variant has not been reported in the literature in individuals affected with BARD1-related conditions. ClinVar contains an entry for this variant (Variation ID: 406764). An algorithm developed to predict the effect of missense changes on protein structure and function outputs the following: PolyPhen-2: "Benign". The glycine amino acid residue is found in multiple mammalian species, which suggests that this missense change does not adversely affect protein function. In summary, the available evidence is currently insufficient to determine the role of this variant in disease. Therefore, it has been classified as a Variant of Uncertain Significance.

Ambry Genetics
Classification: Uncertain significance for Hereditary cancer-predisposing syndrome. Last evaluated: 2024-12-12. Review status: criteria provided, single submitter. Criteria: Ambry Variant Classification Scheme 2023. Collection method: clinical testing. Allele origin: germline.
Comment: The p.R337G variant (also known as c.1009A>G), located in coding exon 4 of the BARD1 gene, results from an A to G substitution at nucleotide position 1009. The arginine at codon 337 is replaced by glycine, an amino acid with dissimilar properties. This amino acid position is not well conserved in available vertebrate species. In addition, this alteration is predicted to be tolerated by in silico analysis. Since supporting evidence is limited at this time, the clinical significance of this alteration remains unclear.

Baylor Genetics
Classification: Uncertain significance for Familial cancer of breast. Last evaluated: 2024-02-13. Review status: criteria provided, single submitter. Criteria: ACMG Guidelines, 2015. Collection method: clinical testing. Allele origin: unknown.

Women's Health and Genetics/Laboratory Corporation of America, LabCorp
Classification: Uncertain significance. Last evaluated: 2023-05-22. Review status: criteria provided, single submitter. Criteria: LabCorp Variant Classification Summary - May 2015. Collection method: clinical testing. Allele origin: germline.

Color Diagnostics, LLC DBA Color Health
Classification: Uncertain significance for Hereditary cancer-predisposing syndrome. Last evaluated: 2022-02-14. Review status: criteria provided, single submitter. Criteria: ACMG Guidelines, 2015. Collection method: clinical testing. Allele origin: germline.
Comment: This missense variant replaces arginine with glycine at codon 337 of the BARD1 protein. Computational prediction suggests that this variant may not impact protein structure and function (internally defined REVEL score threshold <= 0.5, PMID: 27666373). To our knowledge, functional studies have not been reported for this variant. This variant has not been reported in individuals affected with hereditary cancer in the literature. This variant has been identified in 2/282556 chromosomes in the general population by the Genome Aggregation Database (gnomAD). The available evidence is insufficient to determine the role of this variant in disease conclusively. Therefore, this variant is classified as a Variant of Uncertain Significance.

GeneDx
Classification: Uncertain significance. Last evaluated: 2016-12-27. Review status: criteria provided, single submitter. Criteria: GeneDx Variant Classification (06012015). Collection method: clinical testing. Allele origin: germline. Affected: yes.
Comment: This variant is denoted BARD1 c.1009A>G at the cDNA level, p.Arg337Gly (R337G) at the protein level, and results in the change of an Arginine to a Glycine (AGA>GGA). This variant has not, to our knowledge, been published in the literature as pathogenic or benign. BARD1 Arg337Gly was not observed in approximately 6,500 individuals of European and African American ancestry in the NHLBI Exome Sequencing Project, indicating it is not a common benign variant in these populations. Since Arginine and Glycine differ in polarity, charge, size or other properties, this is considered a non-conservative amino acid substitution. BARD1 Arg337Gly occurs at a position that is not conserved and is not located in a known functional domain (UniProt). In silico analyses predict that this variant is unlikely to alter protein structure or function. Based on currently available information, it is unclear whether BARD1 Arg337Gly is pathogenic or benign. We consider it to be a variant of uncertain significance.

NM_000465.4(BARD1):c.1009A>G (p.Arg337Gly)

Gene: BARD1 (BRCA1 associated RING domain 1; minus strand). Cytogenetic location: 2q35.
Variant type: single nucleotide variant.
Coding change: c.1009A>G on transcript NM_000465.4 (MANE Select); coding-DNA position 1009, A replaced by G.
Protein change: p.Arg337Gly; replaces arginine 337 with glycine.
Molecular consequence: missense variant. On other transcripts: non-coding transcript variant (2), intron variant (3).
Genome position (GRCh38, 1-based): chr2:214,780,865, T>C on the plus strand (A>G on the coding strand, the complement: BARD1 is on the minus strand). VCF-style: chr2-214780865-T-C. GRCh37 (hg19) VCF-style: chr2-215645589-T-C.
Other names: c.952A>G, p.Arg318Gly (NM_001282543.2); c.159-28310A>G (NM_001282548.2); c.215+16196A>G (NM_001282545.2); c.364+11432A>G (NM_001282549.2); short protein forms R337G, R318G.
Identifiers: ClinVar variation 406764 (VCV000406764.21), dbSNP rs1016845338, ClinGen allele CA16610654.
Genomic context (GRCh38, chr2:214,780,865, plus strand): 5'-TATTTTCTGAGGGCACCGTTTGCTTAACAAAATCTCCACTGGTGCTCAGAATGCTGGTTC[T>C]ACATCTCTTAGAAATGGGACTGGAAAGTCTATTGTGATGGCCACGTTTTCCATTATTTTC-3'
Protein context (NP_000456.2, residues 327-347): RLSSPISKRC[Arg337Gly]TSILSTSGDF